The following is an entry in ClinVar:

ClinVar aggregate classification (germline): Uncertain significance. Review status: criteria provided, multiple submitters, no conflicts (2 of 4 stars). 2 submissions from 2 submitters: Uncertain significance (2). Last evaluated 2025-01-08.

Conditions:
Inborn genetic diseases. Identifiers: MedGen C0950123, MeSH D030342.

gnomAD v4.1: 17 of 1,611,926 alleles (0.0011%); highest among the groups gnomAD compares: Non-Finnish European, 0.0013%; no homozygotes.

Submissions (2):

Labcorp Genetics (formerly Invitae), Labcorp
Classification: Uncertain significance. Last evaluated: 2025-01-08. Review status: criteria provided, single submitter. Criteria: Invitae Variant Classification Sherloc (09022015). Collection method: clinical testing. Allele origin: germline.
Comment: This sequence change replaces glutamine, which is neutral and polar, with histidine, which is basic and polar, at codon 1257 of the ANKRD26 protein (p.Gln1257His). This variant is present in population databases (rs757491536, gnomAD 0.005%). This variant has not been reported in the literature in individuals affected with ANKRD26-related conditions. An algorithm developed to predict the effect of missense changes on protein structure and function (PolyPhen-2) suggests that this variant is likely to be disruptive. In summary, the available evidence is currently insufficient to determine the role of this variant in disease. Therefore, it has been classified as a Variant of Uncertain Significance.

Ambry Genetics
Classification: Uncertain significance for Inborn genetic diseases. Last evaluated: 2024-12-08. Review status: criteria provided, single submitter. Criteria: Ambry Variant Classification Scheme 2023. Collection method: clinical testing. Allele origin: germline.
Comment: The p.Q1257H variant (also known as c.3771G>T), located in coding exon 25 of the ANKRD26 gene, results from a G to T substitution at nucleotide position 3771. The glutamine at codon 1257 is replaced by histidine, an amino acid with highly similar properties. This amino acid position is conserved. In addition, this alteration is predicted to be tolerated by in silico analysis. Based on the available evidence, the clinical significance of this variant remains unclear.

NM_014915.3(ANKRD26):c.3771G>T (p.Gln1257His)

Gene: ANKRD26 (ankyrin repeat domain 26; minus strand). Cytogenetic location: 10p12.1.
Variant type: single nucleotide variant.
Coding change: c.3771G>T on transcript NM_014915.3 (MANE Select); coding-DNA position 3771, G replaced by T.
Protein change: p.Gln1257His; replaces glutamine 1257 with histidine.
Molecular consequence: missense variant.
Genome position (GRCh38, 1-based): chr10:27,033,261, C>A on the plus strand (G>T on the coding strand, the complement: ANKRD26 is on the minus strand). VCF-style: chr10-27033261-C-A. GRCh37 (hg19) VCF-style: chr10-27322190-C-A.
Other names: c.3768G>T, p.Gln1256His (NM_001256053.2); short protein forms Q1257H, Q1256H.
Identifiers: ClinVar variation 3395306 (VCV003395306.3).